The following is an entry in ClinVar:

NM_001098.3(ACO2):c.2011C>T (p.Arg671Trp)

Genes: POLR3H (RNA polymerase III subunit H; minus strand), ACO2 (aconitase 2; plus strand). Cytogenetic location: 22q13.2.
Variant type: single nucleotide variant.
Coding change: c.2011C>T on transcript NM_001098.3 (MANE Select); coding-DNA position 2011, C replaced by T.
Protein change: p.Arg671Trp; replaces arginine 671 with tryptophan.
Molecular consequence: missense variant. On other transcripts: 3 prime UTR variant (5).
Genome position (GRCh38, 1-based): chr22:41,527,345, C>T. VCF-style: chr22-41527345-C-T. GRCh37 (hg19) VCF-style: chr22-41923349-C-T.
Other names: c.*1938G>A (NM_001282884.2, NM_001282885.2, NM_138338.5 and 2 more transcripts); short protein forms R671W.
Identifiers: ClinVar variation 916188 (VCV000916188.48), dbSNP rs377518755, ClinGen allele CA411728913.

ClinVar aggregate classification (germline): Conflicting classifications of pathogenicity. Review status: criteria provided, conflicting classifications (1 of 4 stars). 4 submissions from 4 submitters: Pathogenic (1); Likely pathogenic (2); Uncertain significance (1). Last evaluated 2026-01-06.

Conditions:
Optic atrophy 9 (OPA9). Identifiers: MedGen C4225384, MONDO:0014571, OMIM 616289.
Infantile cerebellar-retinal degeneration (ICRD). Identifiers: Orphanet 313850, MedGen C3281192, MONDO:0013802, OMIM 614559.

Allele frequency attached by ClinVar (database versions not stated): TOPMed 0.00001; gnomAD exomes below 0.00001.
gnomAD v4.1: 1 of 1,614,118 alleles (0.000062%); highest among the groups gnomAD compares: African/African-American, 0.0013%; no homozygotes.

Submissions (4):

Labcorp Genetics (formerly Invitae), Labcorp
Classification: Pathogenic. Last evaluated: 2026-01-06. Review status: criteria provided, single submitter. Criteria: Invitae Variant Classification Sherloc (09022015). Collection method: clinical testing. Allele origin: germline.
Comment: This sequence change replaces arginine, which is basic and polar, with tryptophan, which is neutral and slightly polar, at codon 671 of the ACO2 protein (p.Arg671Trp). This variant is present in population databases (no rsID available, gnomAD 0.007%). This missense change has been observed in individuals with autosomal dominant optic atrophy (PMID: 34056600, 38278202; internal data). ClinVar contains an entry for this variant (Variation ID: 916188). Invitae Evidence Modeling of protein sequence and biophysical properties (such as structural, functional, and spatial information, amino acid conservation, physicochemical variation, residue mobility, and thermodynamic stability) indicates that this missense variant is expected to disrupt ACO2 protein function with a positive predictive value of 80%. This variant disrupts the p.Arg671 amino acid residue in ACO2. Other variant(s) that disrupt this residue have been determined to be pathogenic (PMID: 34056600, 38278202). This suggests that this residue is clinically significant, and that variants that disrupt this residue are likely to be disease-causing. For these reasons, this variant has been classified as Pathogenic.

Bioscientia Institut fuer Medizinische Diagnostik GmbH, Sonic Healthcare
Classification: Likely pathogenic for Optic atrophy 9; Infantile cerebellar-retinal degeneration. Last evaluated: 2025-04-07. Review status: criteria provided, single submitter. Criteria: ACMG Guidelines, 2015. Collection method: clinical testing. Allele origin: germline. Affected: yes.

Blueprint Genetics
Classification: Uncertain significance. Last evaluated: 2023-08-22. Review status: criteria provided, single submitter. Criteria: ACMG Guidelines, 2015. Collection method: clinical testing. Allele origin: germline.

CeGaT Center for Human Genetics Tuebingen
Classification: Likely pathogenic. Last evaluated: 2023-08-01. Review status: criteria provided, single submitter. Criteria: CeGaT Center For Human Genetics Tuebingen Variant Classification Criteria Version 2. Collection method: clinical testing. Allele origin: germline. Affected: yes. Observed: 1 variant allele.
Comment: ACO2: PM2, PM5, PP3, PS4:Supporting

Literature cited by the submitters: PubMed 34056600 (cited by Labcorp Genetics (formerly Invitae), Labcorp); PubMed 38278202 (cited by Labcorp Genetics (formerly Invitae), Labcorp).